The following is an entry in ClinVar:

ClinVar aggregate classification (germline): Pathogenic. Review status: criteria provided, multiple submitters, no conflicts (2 of 4 stars). 2 submissions from 2 submitters: Pathogenic (2). Last evaluated 2024-11-08.

Conditions:
Hereditary cancer-predisposing syndrome. Also called: Hereditary Cancer Syndrome; Hereditary neoplastic syndrome; Neoplastic Syndromes, Hereditary; Tumor predisposition. Identifiers: Orphanet 140162, MedGen C0027672, MeSH D009386, MONDO:0015356.

Submissions (2):

Quest Diagnostics Nichols Institute San Juan Capistrano
Classification: Pathogenic. Last evaluated: 2024-11-08. Review status: criteria provided, single submitter. Criteria: Quest Diagnostics criteria. Collection method: clinical testing. Allele origin: unknown.
Comment: The APC c.613_614del (p.Gly205Tyrfs*46) variant alters the translational reading frame of the APC mRNA and causes the premature termination of APC protein synthesis. This variant has not been reported in individuals with APC-related conditions in the published literature. External correspondence reports the variant in an individual with familial adenomatous polyposis (Ambry Genetics URL:, Variation ID: 1751795). This variant has not been reported in large, multi-ethnic general populations (Genome Aggregation Database). Based on the available information, this variant is classified as pathogenic.

Ambry Genetics
Classification: Pathogenic for Hereditary cancer-predisposing syndrome. Last evaluated: 2022-04-25. Review status: criteria provided, single submitter. Criteria: Ambry Variant Classification Scheme 2023. Collection method: clinical testing. Allele origin: germline.
Comment: The c.613_614delGG variant, located in coding exon 5 of the APC gene, results from a deletion of two nucleotides at nucleotide positions 613 to 614, causing a translational frameshift with a predicted alternate stop codon (p.G205Yfs*46). This alteration has been observed in at least one individual with a personal and/or family history that is consistent with clinical diagnosis of familial adenomatous polyposis (FAP) (Ambry internal data). This variant is considered to be rare based on population cohorts in the Genome Aggregation Database (gnomAD). This alteration is expected to result in loss of function by premature protein truncation or nonsense-mediated mRNA decay. As such, this alteration is interpreted as a disease-causing mutation.

NM_000038.6(APC):c.613_614del (p.Gly205fs)

Gene: APC (APC regulator of Wnt signaling pathway; plus strand). Cytogenetic location: 5q22.2.
Variant type: Deletion.
Coding change: c.613_614del on transcript NM_000038.6 (MANE Select); coding-DNA positions 613 to 614, 2 bases deleted (GG; older notation c.613_614delGG).
Protein change: p.Gly205fs; shifts the reading frame from glycine 205.
Molecular consequence: frameshift variant. On other transcripts: 5 prime UTR variant (1).
Genome position (GRCh38, 1-based): chr5:112,780,871-112,780,872, GG deleted. VCF-style (leftmost placement, unchanged base first): chr5-112780870-AGG-A. GRCh37 (hg19) VCF-style: chr5-112116567-AGG-A.
Other names: c.613_614delGG (NM_000038.5); c.613_614del (NM_000038.5); c.613_614del, p.Gly205fs (NM_001127510.3, NM_001354895.2, NM_001354896.2 and 2 more transcripts); c.643_644del, p.Gly215fs (NM_001127511.3, NM_001354897.2, NM_001354902.2); c.538_539del, p.Gly180fs (NM_001354898.2, NM_001354904.2); c.436_437del, p.Gly146fs (NM_001354900.2, NM_001354901.2, NM_001354905.2); c.-423_-422del (NM_001354906.2); c.643_644delGG, p.Gly215Tyrfs (NM_001407446.1); and 4 more; short protein forms G146fs, G180fs, G215fs, G205fs.
Identifiers: ClinVar variation 1751795 (VCV001751795.3), dbSNP rs2532489229, ClinGen allele CA2580072351.
Genomic context (GRCh38, chr5:112,780,870, plus strand): 5'-GACCAGAAGGCAATTGGAATATGAAGCAAGGCAAATCAGAGTTGCGATGGAAGAACAACT[AGG>A]TACCTGCCAGGATATGGAAAAACGAGCACAGGTAAGTTACTTGTTTCTAAGTGATAAAAC-3'